The following is an entry in ClinVar:

ClinVar aggregate classification (germline): Uncertain significance (1 of 4 stars; one submission).

Conditions:
Inborn genetic diseases. Identifiers: MedGen C0950123, MeSH D030342.

Submission:

Ambry Genetics
Classification: Uncertain significance for Inborn genetic diseases. Last evaluated: 2026-06-12. Review status: criteria provided, single submitter. Criteria: Ambry Variant Classification Scheme 2023. Collection method: clinical testing. Allele origin: germline.
Comment: The p.F952I variant (also known as c.2854T>A), located in coding exon 29 of the RTEL1 gene, results from a T to A substitution at nucleotide position 2854. The phenylalanine at codon 952 is replaced by isoleucine, an amino acid with highly similar properties. This amino acid position is conserved. In addition, this alteration is predicted to be tolerated by in silico analysis. Based on the available evidence, the clinical significance of this variant remains unclear.

NM_001283009.2(RTEL1):c.2854T>A (p.Phe952Ile)

Genes: RTEL1 (regulator of telomere elongation helicase 1; plus strand), RTEL1-TNFRSF6B (RTEL1-TNFRSF6B readthrough (NMD candidate); plus strand). Cytogenetic location: 20q13.33.
Variant type: single nucleotide variant.
Coding change: c.2854T>A on transcript NM_001283009.2 (MANE Select); coding-DNA position 2854, T replaced by A.
Protein change: p.Phe952Ile; replaces phenylalanine 952 with isoleucine.
Molecular consequence: missense variant. On other transcripts: non-coding transcript variant (1).
Genome position (GRCh38, 1-based): chr20:63,693,145, T>A. VCF-style: chr20-63693145-T-A. GRCh37 (hg19) VCF-style: chr20-62324498-T-A.
Other names: c.2185T>A, p.Phe729Ile (NM_001283010.1); c.2854T>A, p.Phe952Ile (NM_016434.4); c.2926T>A, p.Phe976Ile (NM_032957.5); short protein forms F729I, F952I, F976I.
Identifiers: ClinVar variation 4863619 (VCV004863619.1).